The following is an entry in ClinVar:

NM_001844.5(COL2A1):c.1941+18C>T

Gene: COL2A1 (collagen type II alpha 1 chain; minus strand). Cytogenetic location: 12q13.11.
Variant type: single nucleotide variant.
Coding change: c.1941+18C>T on transcript NM_001844.5 (MANE Select); 18 bases into the intron after coding-DNA position 1941, C replaced by T.
Molecular consequence: intron variant.
Genome position (GRCh38, 1-based): chr12:47,984,069, G>A on the plus strand (C>T on the coding strand, the complement: COL2A1 is on the minus strand). VCF-style: chr12-47984069-G-A. GRCh37 (hg19) VCF-style: chr12-48377852-G-A.
Other names: c.1734+18C>T (NM_033150.3).
Identifiers: ClinVar variation 931738 (VCV000931738.8), dbSNP rs753819738, ClinGen allele CA6535318.

ClinVar aggregate classification (germline): Conflicting classifications of pathogenicity. Review status: criteria provided, conflicting classifications (1 of 4 stars). 3 submissions from 3 submitters: Uncertain significance (1); Likely benign (2). Last evaluated 2024-10-09.

Conditions:
Achondrogenesis type II (ACG2). Also called: CHONDROGENESIS IMPERFECTA; ACHONDROGENESIS, LANGER-SALDINO TYPE. Identifiers: Orphanet 932, Orphanet 93296, MedGen C0220685, MONDO:0008702, OMIM 200610.

Allele frequency attached by ClinVar (database versions not stated): gnomAD exomes below 0.00001 and 0.00001; ExAC 0.00004.
gnomAD v4.1: 6 of 1,609,332 alleles (0.00037%); highest among the groups gnomAD compares: Non-Finnish European, 0.00051%; 1 homozygote.

Submissions (3):

Blueprint Genetics
Classification: Likely benign. Last evaluated: 2024-10-09. Review status: criteria provided, single submitter. Criteria: ACMG Guidelines, 2015. Collection method: clinical testing. Allele origin: germline.

Labcorp Genetics (formerly Invitae), Labcorp
Classification: Likely benign. Last evaluated: 2022-04-25. Review status: criteria provided, single submitter. Criteria: Invitae Variant Classification Sherloc (09022015). Collection method: clinical testing. Allele origin: germline.

Centre for Mendelian Genomics, University Medical Centre Ljubljana
Classification: Uncertain significance for Achondrogenesis type II. Last evaluated: 2019-09-06. Review status: criteria provided, single submitter. Criteria: ACMG Guidelines, 2015. Collection method: clinical testing. Allele origin: unknown. Affected: yes.
Comment: This variant was classified as: Uncertain significance. The available evidence on this variant's pathogenicity is insufficient or conflicting. The following ACMG criteria were applied in classifying this variant: PM2,BP4.